The following is an entry in ClinVar:

ClinVar aggregate classification (germline): Conflicting classifications of pathogenicity. Review status: criteria provided, conflicting classifications (1 of 4 stars). 4 submissions from 4 submitters: Uncertain significance (1); Likely benign (3). Last evaluated 2025-11-18.

Conditions:
ABCA4-related disorder. Also called: ABCA4-related condition; ABCA4-related disorders. Identifiers: MedGen CN239167.

Allele frequency attached by ClinVar (database versions not stated): ExAC 0.00004; gnomAD exomes 0.00004; TOPMed 0.00004; gnomAD 0.00007; ESP Exome Variant Server 0.00008; 1000 Genomes Project 30x 0.00016; 1000 Genomes Project 0.00020.

Submissions (4):

Labcorp Genetics (formerly Invitae), Labcorp
Classification: Uncertain significance. Last evaluated: 2025-11-18. Review status: criteria provided, single submitter. Criteria: Invitae Variant Classification Sherloc (09022015). Collection method: clinical testing. Allele origin: germline.
Comment: This sequence change falls in intron 28 of the ABCA4 gene. It does not directly change the encoded amino acid sequence of the ABCA4 protein. It affects a nucleotide within the consensus splice site. This variant is present in population databases (rs372660973, gnomAD 0.01%), including at least one homozygous and/or hemizygous individual. This variant has not been reported in the literature in individuals affected with ABCA4-related conditions. ClinVar contains an entry for this variant (Variation ID: 806165). Variants that disrupt the consensus splice site are a relatively common cause of aberrant splicing (PMID: 17576681, 9536098). Algorithms developed to predict the effect of sequence changes on RNA splicing suggest that this variant is not likely to affect RNA splicing. In summary, the available evidence is currently insufficient to determine the role of this variant in disease. Therefore, it has been classified as a Variant of Uncertain Significance.

PreventionGenetics, part of Exact Sciences
Classification: Likely benign for ABCA4-related condition. Last evaluated: 2025-07-22. Review status: criteria provided, single submitter. Criteria: ACMG Guidelines, 2015. Collection method: clinical testing. Allele origin: germline.
Comment: This variant is classified as likely benign based on ACMG/AMP sequence variant interpretation guidelines (Richards et al. 2015 PMID: 25741868, with internal and published modifications).

CeGaT Center for Human Genetics Tuebingen
Classification: Likely benign. Last evaluated: 2025-07-01. Review status: criteria provided, single submitter. Criteria: CeGaT Center For Human Genetics Tuebingen Variant Classification Criteria Version 2. Collection method: clinical testing. Allele origin: germline. Affected: yes. Observed: 2 variant alleles.
Comment: ABCA4: BP4

Blueprint Genetics
Classification: Likely benign. Last evaluated: 2022-11-28. Review status: criteria provided, single submitter. Criteria: ACMG Guidelines, 2015. Collection method: clinical testing. Allele origin: germline.

Literature cited by the submitters: PubMed 17576681 (cited by Labcorp Genetics (formerly Invitae), Labcorp); PubMed 9536098 (cited by Labcorp Genetics (formerly Invitae), Labcorp).

NM_000350.3(ABCA4):c.4253+6C>T

Gene: ABCA4 (ATP binding cassette subfamily A member 4; minus strand). Cytogenetic location: 1p22.1.
Variant type: single nucleotide variant.
Coding change: c.4253+6C>T on transcript NM_000350.3 (MANE Select); 6 bases into the intron after coding-DNA position 4253, C replaced by T.
Molecular consequence: intron variant.
Genome position (GRCh38, 1-based): chr1:94,030,990, G>A on the plus strand (C>T on the coding strand, the complement: ABCA4 is on the minus strand). VCF-style: chr1-94030990-G-A. GRCh37 (hg19) VCF-style: chr1-94496546-G-A.
Other names: c.4253+6C>T (NM_000350.2).
Identifiers: ClinVar variation 806165 (VCV000806165.48), dbSNP rs372660973, ClinGen allele CA957681.
Genomic context (GRCh38, chr1:94,030,990, plus strand): 5'-CTAAGCAGCATGTGACCCAGGTGCCCCAAACCCACAGAGGAGAATGGTGACCCCGAGTCC[G>A]CGCACCTGAAGAAGGTGTACTGCTGCCCATATATCCAGGGGTGAAGGGTCAAAGCGGGGT-3'